The following is an entry in ClinVar:

NM_004370.6(COL12A1):c.5677G>A (p.Gly1893Arg)

Gene: COL12A1 (collagen type XII alpha 1 chain; minus strand). Cytogenetic location: 6q13.
Variant type: single nucleotide variant.
Coding change: c.5677G>A on transcript NM_004370.6 (MANE Select); coding-DNA position 5677, G replaced by A.
Protein change: p.Gly1893Arg; replaces glycine 1893 with arginine.
Molecular consequence: missense variant.
Genome position (GRCh38, 1-based): chr6:75,133,410, C>T on the plus strand (G>A on the coding strand, the complement: COL12A1 is on the minus strand). VCF-style: chr6-75133410-C-T. GRCh37 (hg19) VCF-style: chr6-75843126-C-T.
Other names: c.2185G>A, p.Gly729Arg (NM_080645.3); short protein forms G1893R, G729R.
Identifiers: ClinVar variation 1218594 (VCV001218594.16), dbSNP rs373739940, ClinGen allele CA3893035.
Genomic context (GRCh38, chr6:75,133,410, plus strand): 5'-CAGTCACAGTGTATGAGGTATCTGGCTGCAGATTCCTAAGAATGGCATAATTGGTATTCC[C>T]GGGGATTGGTACCTAAAGATTTTAATAAAACAAAAAGCATTGACTTGAAAAATTTGTGAA-3'
Protein context (NP_004361.3, residues 1883-1903): GGPEELVPIP[Gly1893Arg]NTNYAILRNL

ClinVar aggregate classification (germline): Conflicting classifications of pathogenicity. Review status: criteria provided, conflicting classifications (1 of 4 stars). 4 submissions from 4 submitters: Uncertain significance (3); Benign (1). Last evaluated 2025-10-01.

Conditions:
Ullrich congenital muscular dystrophy 2 (UCMD2). Identifiers: Orphanet 75840, MedGen C4225314, MONDO:0014654, OMIM 616470.
Bethlem myopathy 2 (BTHLM2). Identifiers: Orphanet 536516, Orphanet 610, MedGen C4225313, MONDO:0034022, OMIM 616471.

Allele frequency attached by ClinVar (database versions not stated): ExAC 0.00012; TOPMed 0.00022; gnomAD 0.00024 and 0.00023; gnomAD exomes 0.00005 and 0.00010; ESP Exome Variant Server 0.00034.
gnomAD v4.1: 113 of 1,606,724 alleles (0.007%); highest among the groups gnomAD compares: Middle Eastern, 0.066%; no homozygotes.

Submissions (4):

Labcorp Genetics (formerly Invitae), Labcorp
Classification: Benign for Bethlem myopathy 2; Ullrich congenital muscular dystrophy 2. Last evaluated: 2025-10-01. Review status: criteria provided, single submitter. Criteria: Invitae Variant Classification Sherloc (09022015). Collection method: clinical testing. Allele origin: germline.

GeneDx
Classification: Uncertain significance. Last evaluated: 2025-03-11. Review status: criteria provided, single submitter. Criteria: GeneDx Variant Classification Process June 2021. Collection method: clinical testing. Allele origin: germline. Affected: yes.
Comment: In silico analysis supports that this missense variant has a deleterious effect on protein structure/function; Has not been previously published as pathogenic or benign to our knowledge

Revvity Omics, Revvity
Classification: Uncertain significance. Last evaluated: 2022-04-20. Review status: criteria provided, single submitter. Criteria: ACMG Guidelines, 2015. Collection method: clinical testing. Allele origin: germline.

Breakthrough Genomics
Classification: Uncertain significance. Review status: criteria provided, single submitter. Criteria: ACMG Guidelines, 2015. Collection method: not provided. Allele origin: germline. Inheritance: Autosomal recessive inheritance. Affected: yes.